The following is an entry in ClinVar:

ClinVar aggregate classification (germline): Uncertain significance (1 of 4 stars; one submission).

gnomAD v4.1: 3 of 1,208,080 alleles (0.00025%); highest among the groups gnomAD compares: Non-Finnish European, 0.00034%; no homozygotes.

Submission:

Labcorp Genetics (formerly Invitae), Labcorp
Classification: Uncertain significance. Last evaluated: 2025-10-23. Review status: criteria provided, single submitter. Criteria: Invitae Variant Classification Sherloc (09022015). Collection method: clinical testing. Allele origin: germline.
Comment: This sequence change replaces arginine, which is basic and polar, with glutamine, which is neutral and polar, at codon 632 of the SH3KBP1 protein (p.Arg632Gln). This variant is not present in population databases (gnomAD no frequency). This variant has not been reported in the literature in individuals affected with SH3KBP1-related conditions. ClinVar contains an entry for this variant (Variation ID: 2867083). An algorithm developed to predict the effect of missense changes on protein structure and function (PolyPhen-2) suggests that this variant is likely to be tolerated. In summary, the available evidence is currently insufficient to determine the role of this variant in disease. Therefore, it has been classified as a Variant of Uncertain Significance.

NM_031892.3(SH3KBP1):c.1895G>A (p.Arg632Gln)

Gene: SH3KBP1 (SH3 domain containing kinase binding protein 1; minus strand). Cytogenetic location: Xp22.12.
Variant type: single nucleotide variant.
Coding change: c.1895G>A on transcript NM_031892.3 (MANE Select); coding-DNA position 1895, G replaced by A.
Protein change: p.Arg632Gln; replaces arginine 632 with glutamine.
Molecular consequence: missense variant.
Genome position (GRCh38, 1-based): chrX:19,537,778, C>T on the plus strand (G>A on the coding strand, the complement: SH3KBP1 is on the minus strand). VCF-style: chrX-19537778-C-T. GRCh37 (hg19) VCF-style: chrX-19555896-C-T.
Other names: c.1784G>A, p.Arg595Gln (NM_001024666.3); c.1181G>A, p.Arg394Gln (NM_001184960.2); c.1766G>A, p.Arg589Gln (NM_001353890.2); c.1970G>A, p.Arg657Gln (NM_001353891.2); c.1841G>A, p.Arg614Gln (NM_001353892.2); c.1793G>A, p.Arg598Gln (NM_001353893.2); c.1664G>A, p.Arg555Gln (NM_001353894.2); c.1721G>A, p.Arg574Gln (NM_001353895.2); and 4 more; short protein forms R394Q, R574Q, R589Q, R614Q, R632Q, R530Q, R598Q, R633Q.
Identifiers: ClinVar variation 2867083 (VCV002867083.3), dbSNP rs2049409158, ClinGen allele CA412495343.